The following is an entry in ClinVar:

NM_032634.4(PIGO):c.1991G>C (p.Arg664Pro)

Gene: PIGO (phosphatidylinositol glycan anchor biosynthesis class O; minus strand). Cytogenetic location: 9p13.3.
Variant type: single nucleotide variant.
Coding change: c.1991G>C on transcript NM_032634.4 (MANE Select); coding-DNA position 1991, G replaced by C.
Protein change: p.Arg664Pro; replaces arginine 664 with proline.
Molecular consequence: missense variant. On other transcripts: intron variant (2).
Genome position (GRCh38, 1-based): chr9:35,091,896, C>G on the plus strand (G>C on the coding strand, the complement: PIGO is on the minus strand). VCF-style: chr9-35091896-C-G. GRCh37 (hg19) VCF-style: chr9-35091893-C-G.
Other names: c.1345-605G>C (NM_152850.4, NM_001201484.2); short protein forms R664P.
Identifiers: ClinVar variation 568831 (VCV000568831.12), dbSNP rs371923881, ClinGen allele CA5040530.

ClinVar aggregate classification (germline): Uncertain significance. Review status: criteria provided, multiple submitters, no conflicts (2 of 4 stars). 2 submissions from 2 submitters: Uncertain significance (2). Last evaluated 2022-09-19.

Conditions:
Hyperphosphatasia with impaired intellectual development syndrome 2. Also called: Hyperphosphatasia with intellectual disability syndrome 2; GLYCOSYLPHOSPHATIDYLINOSITOL BIOSYNTHESIS DEFECT 6. Identifiers: Orphanet 247262, MedGen C3553637, MONDO:0013882, OMIM 614749.

Allele frequency attached by ClinVar (database versions not stated): 1000 Genomes Project 30x 0.00016; 1000 Genomes Project 0.00020.
gnomAD v4.1: 25 of 1,614,180 alleles (0.0015%); highest among the groups gnomAD compares: Non-Finnish European, 0.0018%; no homozygotes.

Submissions (2):

Labcorp Genetics (formerly Invitae), Labcorp
Classification: Uncertain significance for Hyperphosphatasia with impaired intellectual development syndrome 2. Last evaluated: 2022-09-19. Review status: criteria provided, single submitter. Criteria: Invitae Variant Classification Sherloc (09022015). Collection method: clinical testing. Allele origin: germline.
Comment: Algorithms developed to predict the effect of missense changes on protein structure and function output the following: SIFT: "Tolerated"; PolyPhen-2: "Benign"; Align-GVGD: "Class C0". The proline amino acid residue is found in multiple mammalian species, which suggests that this missense change does not adversely affect protein function. In summary, the available evidence is currently insufficient to determine the role of this variant in disease. Therefore, it has been classified as a Variant of Uncertain Significance. ClinVar contains an entry for this variant (Variation ID: 568831). This variant has not been reported in the literature in individuals affected with PIGO-related conditions. This variant is present in population databases (rs371923881, gnomAD 0.003%). This sequence change replaces arginine, which is basic and polar, with proline, which is neutral and non-polar, at codon 664 of the PIGO protein (p.Arg664Pro).

Illumina Laboratory Services, Illumina
Classification: Uncertain significance for Hyperphosphatasia with impaired intellectual development syndrome 2. Last evaluated: 2018-01-12. Review status: criteria provided, single submitter. Criteria: ICSL Variant Classification Criteria 13 December 2019. Collection method: clinical testing. Allele origin: germline.